The following is an entry in ClinVar:

ClinVar aggregate classification (germline): Uncertain significance. Review status: criteria provided, multiple submitters, no conflicts (2 of 4 stars). 4 submissions from 4 submitters: Uncertain significance (2). 2 of the submissions do not count toward it. Last evaluated 2024-12-05.

Conditions:
Retinal dystrophy. Also called: Inherited retinal dystrophy. Identifiers: Orphanet 71862, MedGen C0854723, MeSH D058499, MONDO:0019118, HP:0000556.
Achromatopsia. Also called: Rod monochromatism. Identifiers: Orphanet 49382, MedGen C0152200, MONDO:0018852, HP:0011516.
Inborn genetic diseases. Identifiers: MedGen C0950123, MeSH D030342.

Allele frequency attached by ClinVar (database versions not stated): ExAC 0.00001; gnomAD exomes 0.00002 and 0.00003; TOPMed 0.00002; gnomAD 0.00005.
gnomAD v4.1: 39 of 1,613,110 alleles (0.0024%); highest among the groups gnomAD compares: African/African-American, 0.008%; no homozygotes.

Submissions (4):

Ambry Genetics
Classification: Uncertain significance for Inborn genetic diseases. Last evaluated: 2024-12-05. Review status: criteria provided, single submitter. Criteria: Ambry Variant Classification Scheme 2023. Collection method: clinical testing. Allele origin: germline.

Labcorp Genetics (formerly Invitae), Labcorp
Classification: Uncertain significance. Last evaluated: 2022-03-14. Review status: criteria provided, single submitter. Criteria: Invitae Variant Classification Sherloc (09022015). Collection method: clinical testing. Allele origin: germline.
Comment: This sequence change replaces arginine, which is basic and polar, with histidine, which is basic and polar, at codon 781 of the CNGB3 protein (p.Arg781His). This variant is present in population databases (rs772444831, gnomAD 0.01%). This variant has not been reported in the literature in individuals affected with CNGB3-related conditions. ClinVar contains an entry for this variant (Variation ID: 858383). Advanced modeling of protein sequence and biophysical properties (such as structural, functional, and spatial information, amino acid conservation, physicochemical variation, residue mobility, and thermodynamic stability) performed at Invitae indicates that this missense variant is not expected to disrupt CNGB3 protein function. In summary, the available evidence is currently insufficient to determine the role of this variant in disease. Therefore, it has been classified as a Variant of Uncertain Significance.

Natera, Inc.
Classification: Uncertain significance for Achromatopsia. Last evaluated: 2020-02-13. Review status: no assertion criteria provided. Collection method: clinical testing. Allele origin: germline. Not counted in ClinVar's aggregate classification.

Institute of Human Genetics, Univ. Regensburg, Univ. Regensburg
Classification: Uncertain significance for Retinal dystrophy. Last evaluated: 2010-01-01. Review status: no assertion criteria provided. Criteria: ACMG Guidelines, 2015. Collection method: clinical testing. Allele origin: germline. Affected: yes. Not counted in ClinVar's aggregate classification.

NM_019098.5(CNGB3):c.2342G>A (p.Arg781His)

Gene: CNGB3 (cyclic nucleotide gated channel subunit beta 3; minus strand). Cytogenetic location: 8q21.3.
Variant type: single nucleotide variant.
Coding change: c.2342G>A on transcript NM_019098.5 (MANE Select); coding-DNA position 2342, G replaced by A.
Protein change: p.Arg781His; replaces arginine 781 with histidine.
Molecular consequence: missense variant.
Genome position (GRCh38, 1-based): chr8:86,575,892, C>T on the plus strand (G>A on the coding strand, the complement: CNGB3 is on the minus strand). VCF-style: chr8-86575892-C-T. GRCh37 (hg19) VCF-style: chr8-87588120-C-T.
Other names: short protein forms R781H.
Identifiers: ClinVar variation 858383 (VCV000858383.6), dbSNP rs772444831, ClinGen allele CA4799743.